The following is an entry in ClinVar:

ClinVar aggregate classification (germline): Pathogenic. Review status: criteria provided, multiple submitters, no conflicts (2 of 4 stars). 3 submissions from 3 submitters: Pathogenic (3). Last evaluated 2024-01-31.

Conditions:
Hereditary spastic paraplegia 11. Also called: Nakamura Osame syndrome; Autosomal recessive hereditary spastic paraplegia, mental impairment, and thin corpus callosum; SPASTIC PARAPLEGIA, AUTOSOMAL RECESSIVE, COMPLICATED, WITH THIN CORPUS CALLOSUM; SPASTIC PARAPLEGIA, AUTOSOMAL RECESSIVE, WITH MENTAL IMPAIRMENT AND THIN CORPUS CALLOSUM; Spastic Paraplegia 11; Spastic paraplegia, mental retardation and thin corpus callosum. Identifiers: Orphanet 2822, MedGen C1858479, MONDO:0011445, OMIM 604360.

Submissions (3):

Labcorp Genetics (formerly Invitae), Labcorp
Classification: Pathogenic for Hereditary spastic paraplegia 11. Last evaluated: 2024-01-31. Review status: criteria provided, single submitter. Criteria: Invitae Variant Classification Sherloc (09022015). Collection method: clinical testing. Allele origin: germline.
Comment: This sequence change creates a premature translational stop signal (p.Cys2324Tyrfs*15) in the SPG11 gene. It is expected to result in an absent or disrupted protein product. Loss-of-function variants in SPG11 are known to be pathogenic (PMID: 19105190, 20110243, 22154821, 26556829). This variant is present in population databases (rs780301639, gnomAD 0.007%). This variant has not been reported in the literature in individuals affected with SPG11-related conditions. ClinVar contains an entry for this variant (Variation ID: 546469). For these reasons, this variant has been classified as Pathogenic.

GeneDx
Classification: Pathogenic. Last evaluated: 2019-12-03. Review status: criteria provided, single submitter. Criteria: GeneDx Variant Classification Process June 2021. Collection method: clinical testing. Allele origin: germline. Affected: yes.
Comment: Frameshift variant predicted to result in protein truncation or nonsense mediated decay in a gene for which loss-of-function is a known mechanism of disease; Not observed at a significant frequency in large population cohorts (Lek et al., 2016); Has not been previously published as pathogenic or benign to our knowledge

Department of Medical Genetics, Sanjay Gandhi Post Graduate Institute of Medical Sciences
Classification: Pathogenic for Hereditary spastic paraplegia 11. Review status: criteria provided, single submitter. Criteria: ACMG Guidelines, 2015. Collection method: research. Allele origin: germline. Inheritance: Autosomal recessive inheritance. Affected: yes. Observed: 1 heterozygote.
Comment: This is a novel variant and is classified as likely pathogenic as per ACMG-AMP criteria (PVS1, PM3, PM2).

Literature cited by the submitters: PubMed 19105190 (cited by Labcorp Genetics (formerly Invitae), Labcorp and Department of Medical Genetics, Sanjay Gandhi Post Graduate Institute of Medical Sciences); PubMed 20110243 (cited by Labcorp Genetics (formerly Invitae), Labcorp); PubMed 22154821 (cited by Labcorp Genetics (formerly Invitae), Labcorp and Department of Medical Genetics, Sanjay Gandhi Post Graduate Institute of Medical Sciences); PubMed 26556829 (cited by Labcorp Genetics (formerly Invitae), Labcorp).

NM_025137.4(SPG11):c.6971_6972del (p.Cys2324fs)

Gene: SPG11 (SPG11 vesicle trafficking associated, spatacsin; minus strand). Cytogenetic location: 15q21.1.
Variant type: Deletion.
Coding change: c.6971_6972del on transcript NM_025137.4 (MANE Select); coding-DNA positions 6971 to 6972, 2 bases deleted (GT; older notation c.6971_6972delGT).
Protein change: p.Cys2324fs; shifts the reading frame from cysteine 2324.
Molecular consequence: frameshift variant.
Genome position (GRCh38, 1-based): chr15:44,565,881-44,565,882, AC deleted on the plus strand (GT on the coding strand, the reverse complement: SPG11 is on the minus strand); deleting any 2 consecutive bases within chr15:44,565,881-44,565,883 gives the same sequence; the c. name uses the placement nearest the transcript's 3' end. VCF-style (leftmost placement, unchanged base first): chr15-44565880-TAC-T. GRCh37 (hg19) VCF-style: chr15-44858078-TAC-T.
Other names: p.Cys2324TyrfsTer15; c.6632_6633del, p.Cys2211fs (NM_001160227.2); c.6971_6972delGT (NM_025137.3); short protein forms C2211fs, C2324fs.
Identifiers: ClinVar variation 546469 (VCV000546469.7), dbSNP rs780301639, ClinGen allele CA7533941.